The following is an entry in ClinVar:

ClinVar aggregate classification (germline): Uncertain significance (1 of 4 stars; one submission).

Submission:

Labcorp Genetics (formerly Invitae), Labcorp
Classification: Uncertain significance. Last evaluated: 2026-01-21. Review status: criteria provided, single submitter. Criteria: Invitae Variant Classification Sherloc (09022015). Collection method: clinical testing. Allele origin: germline.
Comment: This sequence change replaces glutamine, which is neutral and polar, with arginine, which is basic and polar, at codon 481 of the CTNNA1 protein (p.Gln481Arg). This variant is not present in population databases (gnomAD no frequency). This variant has not been reported in the literature in individuals affected with CTNNA1-related conditions. ClinVar contains an entry for this variant (Variation ID: 2134341). Invitae Evidence Modeling of protein sequence and biophysical properties (such as structural, functional, and spatial information, amino acid conservation, physicochemical variation, residue mobility, and thermodynamic stability) indicates that this missense variant is not expected to disrupt CTNNA1 protein function with a negative predictive value of 80%. In summary, the available evidence is currently insufficient to determine the role of this variant in disease. Therefore, it has been classified as a Variant of Uncertain Significance.

NM_001903.5(CTNNA1):c.1442A>G (p.Gln481Arg)

Gene: CTNNA1 (catenin alpha 1; plus strand). Cytogenetic location: 5q31.2.
Variant type: single nucleotide variant.
Coding change: c.1442A>G on transcript NM_001903.5 (MANE Select); coding-DNA position 1442, A replaced by G.
Protein change: p.Gln481Arg; replaces glutamine 481 with arginine.
Molecular consequence: missense variant. On other transcripts: 5 prime UTR variant (5).
Genome position (GRCh38, 1-based): chr5:138,917,794, A>G. VCF-style: chr5-138917794-A-G. GRCh37 (hg19) VCF-style: chr5-138253483-A-G.
Other names: c.1442A>G, p.Gln481Arg (NM_001290307.3, NM_001323982.2, NM_001323983.1 and 2 more transcripts); c.1133A>G, p.Gln378Arg (NM_001290309.3); c.1073A>G, p.Gln358Arg (NM_001290310.3); c.332A>G, p.Gln111Arg (NM_001290312.1, NM_001323997.1, NM_001323998.1 and 17 more transcripts); c.1349A>G, p.Gln450Arg (NM_001323986.2); c.-8A>G (NM_001324006.1, NM_001324007.1, NM_001324008.1 and 2 more transcripts); c.239A>G, p.Gln80Arg (NM_001324011.1); c.89A>G, p.Gln30Arg (NM_001324012.1, NM_001324013.1); short protein forms Q30R, Q378R, Q80R, Q111R, Q450R, Q481R, Q358R.
Identifiers: ClinVar variation 2134341 (VCV002134341.4), dbSNP rs2533588902, ClinGen allele CA361137191.
Genomic context (GRCh38, chr5:138,917,794, plus strand): 5'-TTTTGCAGGTTATTAATGCTGCACTGGCTTTAGCAGCAAAACCACAGAGTAAACTGGCCC[A>G]AGAGAACATGGATCTTTTTAAAGAACAATGGGAAAAACAAGTCCGTGTTCTCACAGATGC-3'
Protein context (NP_001894.2, residues 471-491): LAAKPQSKLA[Gln481Arg]ENMDLFKEQW